The following is an entry in ClinVar:

ClinVar aggregate classification (germline): Uncertain significance (1 of 4 stars; one submission).

Conditions:
Cystic fibrosis (CF). Also called: MUCOVISCIDOSIS. Identifiers: Orphanet 586, MedGen C0010674, MONDO:0009061, OMIM 219700. Disease mechanism: loss of function.

Submission:

Ambry Genetics
Classification: Uncertain significance for Cystic fibrosis. Last evaluated: 2025-01-17. Review status: criteria provided, single submitter. Criteria: Ambry Variant Classification Scheme 2023. Collection method: clinical testing. Allele origin: germline.
Comment: The p.R1434G variant (also known as c.4300A>G), located in coding exon 27 of the CFTR gene, results from an A to G substitution at nucleotide position 4300. The arginine at codon 1434 is replaced by glycine, an amino acid with dissimilar properties. This amino acid position is conserved. In addition, the in silico prediction for this alteration is inconclusive. Based on the available evidence, the clinical significance of this variant remains unclear.

NM_000492.4(CFTR):c.4300A>G (p.Arg1434Gly)

Genes: CFTR (CF transmembrane conductance regulator; plus strand), LOC111674477 (CFTR intron 23 enhancer; plus strand). Cytogenetic location: 7q31.2.
Variant type: single nucleotide variant.
Coding change: c.4300A>G on transcript NM_000492.4 (MANE Select); coding-DNA position 4300, A replaced by G.
Protein change: p.Arg1434Gly; replaces arginine 1434 with glycine.
Molecular consequence: missense variant.
Genome position (GRCh38, 1-based): chr7:117,666,965, A>G. VCF-style: chr7-117666965-A-G. GRCh37 (hg19) VCF-style: chr7-117307019-A-G.
Other names: short protein forms R1434G.
Identifiers: ClinVar variation 3832579 (VCV003832579.1).